The following is an entry in ClinVar:

NM_001135649.3(FOXI3):c.473T>A (p.Ile158Asn)

Gene: FOXI3 (forkhead box I3; minus strand). Cytogenetic location: 2p11.2.
Variant type: single nucleotide variant.
Coding change: c.473T>A on transcript NM_001135649.3 (MANE Select); coding-DNA position 473, T replaced by A.
Protein change: p.Ile158Asn; replaces isoleucine 158 with asparagine.
Molecular consequence: missense variant.
Genome position (GRCh38, 1-based): chr2:88,452,063, A>T on the plus strand (T>A on the coding strand, the complement: FOXI3 is on the minus strand). VCF-style: chr2-88452063-A-T. GRCh37 (hg19) VCF-style: chr2-88751582-A-T.
Other names: short protein forms I158N.
Identifiers: ClinVar variation 1469505 (VCV001469505.6), dbSNP rs2104263687, ClinGen allele CA347766273.

ClinVar aggregate classification (germline): Uncertain significance (1 of 4 stars; one submission).

Submission:

Labcorp Genetics (formerly Invitae), Labcorp
Classification: Uncertain significance. Last evaluated: 2024-01-08. Review status: criteria provided, single submitter. Criteria: Invitae Variant Classification Sherloc (09022015). Collection method: clinical testing. Allele origin: germline.
Comment: This sequence change replaces isoleucine, which is neutral and non-polar, with asparagine, which is neutral and polar, at codon 158 of the FOXI3 protein (p.Ile158Asn). This variant is not present in population databases (gnomAD no frequency). This variant has not been reported in the literature in individuals affected with FOXI3-related conditions. ClinVar contains an entry for this variant (Variation ID: 1469505). Experimental studies and prediction algorithms are not available or were not evaluated, and the functional significance of this variant is currently unknown. In summary, the available evidence is currently insufficient to determine the role of this variant in disease. Therefore, it has been classified as a Variant of Uncertain Significance.